The following is an entry in ClinVar:

ClinVar aggregate classification (germline): Benign/Likely benign. Review status: criteria provided, multiple submitters, no conflicts (2 of 4 stars). 6 submissions from 4 submitters: Benign (2); Likely benign (4). Last evaluated 2025-06-04.

Conditions:
Distal spinal muscular atrophy. Also called: Distal hereditary motor neuropathy; Distal hereditary motor neuronopathy. Identifiers: Orphanet 53739, MedGen C0393541, MONDO:0018894.
Charcot-Marie-Tooth disease type 2. Also called: Charcot-Marie-Tooth type 2. Identifiers: Orphanet 64746, MedGen C0270914, MONDO:0018993.
Charcot-Marie-Tooth disease type 2D (CMT2D). Also called: Charcot-Marie-Tooth Neuropathy Type 2D; GARS1 Adolescent- or Early Adult-Onset Hereditary Motor/Sensory Neuropathy (GARS1-HMSN); CHARCOT-MARIE-TOOTH DISEASE, AXONAL, TYPE 2D; CHARCOT-MARIE-TOOTH DISEASE, NEURONAL, TYPE 2D. Identifiers: Orphanet 99938, MedGen C1832274, MONDO:0011091, OMIM 601472.
Neuronopathy, distal hereditary motor, type 5A (HMND5). Also called: Distal Spinal Muscular Atrophy V; Distal Spinal Muscular Atrophy V (dSMA-V); NEURONOPATHY, DISTAL HEREDITARY MOTOR, AUTOSOMAL DOMINANT 5; DHMN VA. Identifiers: Orphanet 139536, MedGen CN031873, MONDO:0015353, OMIM 600794.

Allele frequency attached by ClinVar (database versions not stated): gnomAD exomes 0.00001 and 0.00002; ExAC 0.00002; gnomAD 0.00003 and 0.00004; TOPMed 0.00006; 1000 Genomes Project 0.00040; 1000 Genomes Project 30x 0.00047.
gnomAD v4.1: 33 of 1,614,180 alleles (0.002%); highest among the groups gnomAD compares: Admixed American, 0.01%; 1 homozygote.

Submissions (6):

Labcorp Genetics (formerly Invitae), Labcorp
Classification: Likely benign for Charcot-Marie-Tooth disease type 2. Last evaluated: 2025-06-04. Review status: criteria provided, single submitter. Criteria: Invitae Variant Classification Sherloc (09022015). Collection method: clinical testing. Allele origin: germline.

Ambry Genetics
Classification: Likely benign. Last evaluated: 2019-07-11. Review status: criteria provided, single submitter. Criteria: Ambry Variant Classification Scheme 2023. Collection method: clinical testing. Allele origin: germline.

Illumina Laboratory Services, Illumina
Classification: Likely benign for Charcot-Marie-Tooth disease type 2D. Last evaluated: 2018-01-13. Review status: criteria provided, single submitter. Criteria: ICSL Variant Classification Criteria 13 December 2019. Collection method: clinical testing. Allele origin: germline.
Comment: This variant was observed in the ICSL laboratory as part of a predisposition screen in an ostensibly healthy population. It had not been previously curated by ICSL or reported in the Human Gene Mutation Database (HGMD: prior to June 1st, 2018), and was therefore a candidate for classification through an automated scoring system. Utilizing variant allele frequency, disease prevalence and penetrance estimates, and inheritance mode, an automated score was calculated to assess if this variant is too frequent to cause the disease. Based on the score and internal cut-off values, a variant classified as likely benign is not then subjected to further curation. The score for this variant resulted in a classification of likely benign for this disease.

Illumina Laboratory Services, Illumina
Classification: Benign for Distal Spinal Muscular Atrophy. Last evaluated: 2018-01-13. Review status: criteria provided, single submitter. Criteria: ICSL Variant Classification Criteria 13 December 2019. Collection method: clinical testing. Allele origin: germline.
Comment: This variant was observed in the ICSL laboratory as part of a predisposition screen in an ostensibly healthy population. It had not been previously curated by ICSL or reported in the Human Gene Mutation Database (HGMD: prior to June 1st, 2018), and was therefore a candidate for classification through an automated scoring system. Utilizing variant allele frequency, disease prevalence and penetrance estimates, and inheritance mode, an automated score was calculated to assess if this variant is too frequent to cause the disease. Based on the score and internal cut-off values, a variant classified as benign is not then subjected to further curation. The score for this variant resulted in a classification of benign for this disease.

Illumina Laboratory Services, Illumina
Classification: Benign for Distal hereditary motor neuronopathy type 5. Last evaluated: 2018-01-13. Review status: criteria provided, single submitter. Criteria: ICSL Variant Classification Criteria 13 December 2019. Collection method: clinical testing. Allele origin: germline.
Comment: the same text as in the submission from Illumina Laboratory Services, Illumina above.

GeneDx
Classification: Likely benign. Last evaluated: 2016-03-29. Review status: criteria provided, single submitter. Criteria: GeneDx Variant Classification (06012015). Collection method: clinical testing. Allele origin: germline. Affected: yes.
Comment: This variant is considered likely benign or benign based on one or more of the following criteria: it is a conservative change, it occurs at a poorly conserved position in the protein, it is predicted to be benign by multiple in silico algorithms, and/or has population frequency not consistent with disease.

NM_002047.4(GARS1):c.1923T>C (p.His641=)

Gene: GARS1 (glycyl-tRNA synthetase 1; plus strand). Cytogenetic location: 7p14.3.
Variant type: single nucleotide variant.
Coding change: c.1923T>C on transcript NM_002047.4 (MANE Select); coding-DNA position 1923, T replaced by C.
Protein change: p.His641=; no amino-acid change (histidine 641 retained).
Molecular consequence: synonymous variant.
Genome position (GRCh38, 1-based): chr7:30,632,266, T>C. VCF-style: chr7-30632266-T-C. GRCh37 (hg19) VCF-style: chr7-30671882-T-C.
Other names: c.1923T>C (LRG_243t1); c.1761T>C, p.His587= (NM_001316772.1).
Identifiers: ClinVar variation 360017 (VCV000360017.14), dbSNP rs182542046, ClinGen allele CA4206125.